The following is an entry in ClinVar:

NM_003640.5(ELP1):c.3931+1G>A

Gene: ELP1 (elongator acetyltransferase complex subunit 1; minus strand). Cytogenetic location: 9q31.3.
Variant type: single nucleotide variant.
Coding change: c.3931+1G>A on transcript NM_003640.5 (MANE Select); the canonical splice donor site of the intron after coding-DNA position 3931, G replaced by A.
Molecular consequence: splice donor variant.
Genome position (GRCh38, 1-based): chr9:108,874,894, C>T on the plus strand (G>A on the coding strand, the complement: ELP1 is on the minus strand). VCF-style: chr9-108874894-C-T. GRCh37 (hg19) VCF-style: chr9-111637174-C-T.
Other names: c.3589+1G>A (NM_001318360.2); c.2884+1G>A (NM_001330749.2).
Identifiers: ClinVar variation 526199 (VCV000526199.9), dbSNP rs143674809, ClinGen allele CA374410346.
Genomic context (GRCh38, chr9:108,874,894, plus strand): 5'-ACTTACAGAAAGATAGTCCTTCTGCTTAGTATTGTAATATTAAATGAGAAAAAATACTAA[C>T]CAAGAACAGGAACCGAAGTCTTCTGTTGCTGATAAGATGCCATGATACTATTTGCAGTAG-3'

ClinVar aggregate classification (germline): Uncertain significance. Review status: criteria provided, single submitter (1 of 4 stars). 2 submissions from 2 submitters: Uncertain significance (1). 1 of the submissions does not count toward it. Last evaluated 2017-10-27.

Conditions:
Familial dysautonomia. Also called: FD; HSAN III. Identifiers: Orphanet 1764, MedGen C0013364, MONDO:0009131, OMIM 223900. Disease mechanism: loss of function.

Submissions (2):

Labcorp Genetics (formerly Invitae), Labcorp
Classification: Uncertain significance. Last evaluated: 2017-10-27. Review status: criteria provided, single submitter. Criteria: Invitae Variant Classification Sherloc (09022015). Collection method: clinical testing. Allele origin: germline.
Comment: This sequence change affects a donor splice site in the last intron (intron 36) of the IKBKAP gene. While this is not anticipated to result in nonsense mediated decay, it likely alters RNA splicing and results in a disrupted protein product. This variant is not present in population databases (ExAC no frequency). This variant has not been reported in the literature in individuals with IKBKAP-related disease. Nucleotide substitutions within the consensus splice site are a relatively common cause of aberrant splicing (PMID: 17576681, 9536098). Algorithms developed to predict the effect of sequence changes on RNA splicing suggest that this variant may disrupt the consensus splice site, but this prediction has not been confirmed by published transcriptional studies. In summary, the available evidence is currently insufficient to determine the role of this variant in disease. Therefore, it has been classified as a Variant of Uncertain Significance.

Natera, Inc.
Classification: Uncertain significance for Familial dysautonomia. Last evaluated: 2020-09-16. Review status: no assertion criteria provided. Collection method: clinical testing. Allele origin: germline. Not counted in ClinVar's aggregate classification.

Literature cited by the submitters: PubMed 17576681 (cited by Labcorp Genetics (formerly Invitae), Labcorp); PubMed 9536098 (cited by Labcorp Genetics (formerly Invitae), Labcorp).